The following is an entry in ClinVar:

ClinVar aggregate classification (germline): Uncertain significance. Review status: criteria provided, multiple submitters, no conflicts (2 of 4 stars). 2 submissions from 2 submitters: Uncertain significance (2). Last evaluated 2024-01-19.

Conditions:
Inborn genetic diseases. Identifiers: MedGen C0950123, MeSH D030342.

Allele frequency attached by ClinVar (database versions not stated): gnomAD exomes 0.00002; TOPMed 0.00015; gnomAD 0.00006; ExAC 0.00001.

Submissions (2):

Labcorp Genetics (formerly Invitae), Labcorp
Classification: Uncertain significance. Last evaluated: 2024-01-19. Review status: criteria provided, single submitter. Criteria: Invitae Variant Classification Sherloc (09022015). Collection method: clinical testing. Allele origin: germline.
Comment: This sequence change replaces alanine, which is neutral and non-polar, with proline, which is neutral and non-polar, at codon 120 of the TYRP1 protein (p.Ala120Pro). This variant is present in population databases (rs773888890, gnomAD 0.01%). This variant has not been reported in the literature in individuals affected with TYRP1-related conditions. ClinVar contains an entry for this variant (Variation ID: 1385048). Advanced modeling of protein sequence and biophysical properties (such as structural, functional, and spatial information, amino acid conservation, physicochemical variation, residue mobility, and thermodynamic stability) performed at Invitae indicates that this missense variant is not expected to disrupt TYRP1 protein function with a negative predictive value of 80%. In summary, the available evidence is currently insufficient to determine the role of this variant in disease. Therefore, it has been classified as a Variant of Uncertain Significance.

Ambry Genetics
Classification: Uncertain significance for Inborn genetic diseases. Last evaluated: 2023-05-01. Review status: criteria provided, single submitter. Criteria: Ambry Variant Classification Scheme 2023. Collection method: clinical testing. Allele origin: germline.

NM_000550.3(TYRP1):c.358G>C (p.Ala120Pro)

Gene: TYRP1 (tyrosinase related protein 1; plus strand). Cytogenetic location: 9p23.
Variant type: single nucleotide variant.
Coding change: c.358G>C on transcript NM_000550.3 (MANE Select); coding-DNA position 358, G replaced by C.
Protein change: p.Ala120Pro; replaces alanine 120 with proline.
Molecular consequence: missense variant.
Genome position (GRCh38, 1-based): chr9:12,694,354, G>C. VCF-style: chr9-12694354-G-C. GRCh37 (hg19) VCF-style: chr9-12694354-G-C.
Other names: c.358G>C (NM_000550.2); short protein forms A120P.
Identifiers: ClinVar variation 1385048 (VCV001385048.7), dbSNP rs773888890, ClinGen allele CA4985178.